The following is an entry in ClinVar:

NM_001430.5(EPAS1):c.1316C>G (p.Ala439Gly)

Gene: EPAS1 (endothelial PAS domain protein 1; plus strand). Cytogenetic location: 2p21.
Variant type: single nucleotide variant.
Coding change: c.1316C>G on transcript NM_001430.5 (MANE Select); coding-DNA position 1316, C replaced by G.
Protein change: p.Ala439Gly; replaces alanine 439 with glycine.
Molecular consequence: missense variant.
Genome position (GRCh38, 1-based): chr2:46,377,960, C>G. VCF-style: chr2-46377960-C-G. GRCh37 (hg19) VCF-style: chr2-46605099-C-G.
Other names: c.1316C>G (NM_001430.4); short protein forms A439G.
Identifiers: ClinVar variation 2724214 (VCV002724214.5), dbSNP rs749115941, ClinGen allele CA1644950.

ClinVar aggregate classification (germline): Uncertain significance. Review status: criteria provided, multiple submitters, no conflicts (2 of 4 stars). 2 submissions from 2 submitters: Uncertain significance (2). Last evaluated 2025-05-25.

Conditions:
Inborn genetic diseases. Identifiers: MedGen C0950123, MeSH D030342.

Allele frequency attached by ClinVar (database versions not stated): ExAC 0.00009; 1000 Genomes Project 30x 0.00016.
gnomAD v4.1: 67 of 1,563,914 alleles (0.0043%); highest among the groups gnomAD compares: African/African-American, 0.057%; no homozygotes.

Submissions (2):

Ambry Genetics
Classification: Uncertain significance for Inborn genetic diseases. Last evaluated: 2025-05-25. Review status: criteria provided, single submitter. Criteria: Ambry Variant Classification Scheme 2023. Collection method: clinical testing. Allele origin: germline.

Labcorp Genetics (formerly Invitae), Labcorp
Classification: Uncertain significance. Last evaluated: 2024-10-28. Review status: criteria provided, single submitter. Criteria: Invitae Variant Classification Sherloc (09022015). Collection method: clinical testing. Allele origin: germline.
Comment: This sequence change replaces alanine, which is neutral and non-polar, with glycine, which is neutral and non-polar, at codon 439 of the EPAS1 protein (p.Ala439Gly). This variant is present in population databases (rs749115941, gnomAD 0.05%), and has an allele count higher than expected for a pathogenic variant. This variant has not been reported in the literature in individuals affected with EPAS1-related conditions. An algorithm developed to predict the effect of missense changes on protein structure and function (PolyPhen-2) suggests that this variant is likely to be tolerated. In summary, the available evidence is currently insufficient to determine the role of this variant in disease. Therefore, it has been classified as a Variant of Uncertain Significance.